The following is an entry in ClinVar:

NM_004006.3(DMD):c.3515G>T (p.Trp1172Leu)

Gene: DMD (dystrophin; minus strand). Cytogenetic location: Xp21.1.
Variant type: single nucleotide variant.
Coding change: c.3515G>T on transcript NM_004006.3 (MANE Select); coding-DNA position 3515, G replaced by T.
Protein change: p.Trp1172Leu; replaces tryptophan 1172 with leucine.
Molecular consequence: missense variant.
Genome position (GRCh38, 1-based): chrX:32,454,750, C>A on the plus strand (G>T on the coding strand, the complement: DMD is on the minus strand). VCF-style: chrX-32454750-C-A. GRCh37 (hg19) VCF-style: chrX-32472867-C-A.
Other names: c.3491G>T, p.Trp1164Leu (NM_000109.4); c.3503G>T, p.Trp1168Leu (NM_004009.3); c.3146G>T, p.Trp1049Leu (NM_004010.3); short protein forms W1172L, W1049L, W1168L, W1164L.
Identifiers: ClinVar variation 3634836 (VCV003634836.2).

ClinVar aggregate classification (germline): Uncertain significance (1 of 4 stars; one submission).

Conditions:
Duchenne muscular dystrophy (DMD). Also called: MUSCULAR DYSTROPHY, PSEUDOHYPERTROPHIC PROGRESSIVE, DUCHENNE TYPE; Duchenne Muscular Dystrophy (DMD). Identifiers: Orphanet 98896, MedGen C0013264, MONDO:0010679, OMIM 310200.

Submission:

Labcorp Genetics (formerly Invitae), Labcorp
Classification: Uncertain significance for Duchenne muscular dystrophy. Last evaluated: 2024-05-13. Review status: criteria provided, single submitter. Criteria: Invitae Variant Classification Sherloc (09022015). Collection method: clinical testing. Allele origin: germline.
Comment: This sequence change replaces tryptophan, which is neutral and slightly polar, with leucine, which is neutral and non-polar, at codon 1172 of the DMD protein (p.Trp1172Leu). This variant is not present in population databases (gnomAD no frequency). This variant has not been reported in the literature in individuals affected with DMD-related conditions. Advanced modeling of protein sequence and biophysical properties (such as structural, functional, and spatial information, amino acid conservation, physicochemical variation, residue mobility, and thermodynamic stability) performed at Invitae indicates that this missense variant is not expected to disrupt DMD protein function with a negative predictive value of 95%. In summary, the available evidence is currently insufficient to determine the role of this variant in disease. Therefore, it has been classified as a Variant of Uncertain Significance.